The following is an entry in ClinVar:

NM_001353921.2(ARHGEF9):c.1077G>A (p.Lys359=)

Gene: ARHGEF9 (Cdc42 guanine nucleotide exchange factor 9; minus strand). Cytogenetic location: Xq11.1.
Variant type: single nucleotide variant.
Coding change: c.1077G>A on transcript NM_001353921.2 (MANE Select); coding-DNA position 1077, G replaced by A.
Protein change: p.Lys359=; no amino-acid change (lysine 359 retained).
Molecular consequence: synonymous variant. On other transcripts: intron variant (5).
Genome position (GRCh38, 1-based): chrX:63,665,886, C>T on the plus strand (G>A on the coding strand, the complement: ARHGEF9 is on the minus strand). VCF-style: chrX-63665886-C-T. GRCh37 (hg19) VCF-style: chrX-62885766-C-T.
Other names: c.897G>A, p.Lys299= (NM_001173479.2); c.750G>A, p.Lys250= (NM_001173480.2, NM_001369042.1); c.993G>A, p.Lys331= (NM_001330495.2, NM_001369033.1, NM_001369034.1 and 6 more transcripts); c.1095G>A, p.Lys365= (NM_001353923.1); c.876G>A, p.Lys292= (NM_001353924.2, NM_001353926.2, NM_001369039.1 and 1 more transcripts); c.1056G>A, p.Lys352= (NM_001369030.1, NM_001369031.1, NM_001369032.1 and 1 more transcripts); c.945+8152G>A (NM_001353922.2); c.861+8152G>A (NM_001369041.1, NM_001353927.2); and 2 more.
Identifiers: ClinVar variation 545091 (VCV000545091.6), dbSNP rs1556347185, ClinGen allele CA516872977.

ClinVar aggregate classification (germline): Likely pathogenic. Review status: criteria provided, single submitter (1 of 4 stars). 2 submissions from 2 submitters: Likely pathogenic (1). 1 of the submissions does not count toward it. Last evaluated 2025-09-30.

Conditions:
Developmental and epileptic encephalopathy, 8 (DEE8). Also called: HYPEREKPLEXIA AND EPILEPSY. Identifiers: Orphanet 163985, Orphanet 2076, MedGen C1845102, MONDO:0010375, OMIM 300607.

Submissions (2):

Institute of Human Genetics, University of Leipzig Medical Center
Classification: Likely pathogenic for Developmental and epileptic encephalopathy, 8. Last evaluated: 2025-09-30. Review status: criteria provided, single submitter. Criteria: ACMG Guidelines, 2015. Collection method: clinical testing. Allele origin: maternal. Affected: yes.
Comment: Criteria applied: PVS1_RNA,PM2; splice analysis on RNA from fibroblasts showed no transcript from allele with this variant: c.1077G>A r.0 p.(0)

Laboratory of Molecular Genetics (Pr. Bezieau's lab), CHU de Nantes
Classification: Uncertain significance. Last evaluated: 2017-10-12. Review status: no assertion criteria provided. Collection method: clinical testing. Allele origin: germline. Affected: yes. Not counted in ClinVar's aggregate classification.